The following is an entry in ClinVar:

NM_003872.3(NRP2):c.580T>G (p.Phe194Val)

Gene: NRP2 (neuropilin 2; plus strand). Cytogenetic location: 2q33.3.
Variant type: single nucleotide variant.
Coding change: c.580T>G on transcript NM_003872.3 (MANE Select); coding-DNA position 580, T replaced by G.
Protein change: p.Phe194Val; replaces phenylalanine 194 with valine.
Molecular consequence: missense variant.
Genome position (GRCh38, 1-based): chr2:205,722,624, T>G. VCF-style: chr2-205722624-T-G. GRCh37 (hg19) VCF-style: chr2-206587348-T-G.
Other names: c.580T>G, p.Phe194Val (NM_018534.4, NM_201264.2, NM_201266.2 and 2 more transcripts); short protein forms F194V.
Identifiers: ClinVar variation 4988698 (VCV004988698.1).

ClinVar aggregate classification (germline): Uncertain significance (1 of 4 stars; one submission).

Conditions:
NRP2-related disorder. Also called: NRP2-related condition.

gnomAD v4.1: 30 of 1,614,080 alleles (0.0019%); highest among the groups gnomAD compares: Non-Finnish European, 0.0024%; no homozygotes.

Submission:

PreventionGenetics, part of Exact Sciences
Classification: Uncertain significance for NRP2-related condition. Last evaluated: 2025-01-13. Review status: criteria provided, single submitter. Criteria: ACMG Guidelines, 2015. Collection method: clinical testing. Allele origin: germline.
Comment: The NRP2 c.580T>G variant is predicted to result in the amino acid substitution p.Phe194Val. This variant was reported in the heterozygous state in an individual with edema of the left hand, and this variant was inherited from the father who had subclinical signs of abnormal lymph flow (Michelini et al. 2020. PubMed ID: 33212964). This variant is reported in 0.0018% of alleles in individuals of European (Non-Finnish) descent in gnomAD. At this time, the clinical significance of this variant is uncertain due to the absence of conclusive functional and genetic evidence.